The following is an entry in ClinVar:

ClinVar aggregate classification (germline): Benign (1 of 4 stars; one submission).

Conditions:
Frank-Ter Haar syndrome. Also called: BORRONE DERMATOCARDIOSKELETAL SYNDROME; TER HAAR SYNDROME; MELNICK-NEEDLES SYNDROME, AUTOSOMAL RECESSIVE; Borrone di Rocco Crovato syndrome. Identifiers: Orphanet 1266, Orphanet 137834, MedGen C1855305, MONDO:0009579, OMIM 249420.

Allele frequency attached by ClinVar (database versions not stated): gnomAD 0.00606 and 0.00827; TOPMed 0.00772; 1000 Genomes Project 30x 0.02561; 1000 Genomes Project 0.02716.
gnomAD v4.1: 13,810 of 1,328,082 alleles (1%); highest among the groups gnomAD compares: East Asian, 6.1%; 207 homozygotes.

Submission:

Illumina Laboratory Services, Illumina
Classification: Benign for Frank-Ter Haar syndrome. Last evaluated: 2018-01-12. Review status: criteria provided, single submitter. Criteria: ICSL Variant Classification Criteria 13 December 2019. Collection method: clinical testing. Allele origin: germline.
Comment: This variant was observed in the ICSL laboratory as part of a predisposition screen in an ostensibly healthy population. It had not been previously curated by ICSL or reported in the Human Gene Mutation Database (HGMD: prior to June 1st, 2018), and was therefore a candidate for classification through an automated scoring system. Utilizing variant allele frequency, disease prevalence and penetrance estimates, and inheritance mode, an automated score was calculated to assess if this variant is too frequent to cause the disease. Based on the score and internal cut-off values, a variant classified as benign is not then subjected to further curation. The score for this variant resulted in a classification of benign for this disease.

NM_001017995.3(SH3PXD2B):c.*294C>A

Gene: SH3PXD2B (SH3 and PX domains 2B; minus strand). Cytogenetic location: 5q35.1.
Variant type: single nucleotide variant.
Coding change: c.*294C>A on transcript NM_001017995.3 (MANE Select); 294 bases downstream of the stop codon, C replaced by A.
Molecular consequence: 3 prime UTR variant. On other transcripts: intron variant (1).
Genome position (GRCh38, 1-based): chr5:172,338,075, G>T on the plus strand (C>A on the coding strand, the complement: SH3PXD2B is on the minus strand). VCF-style: chr5-172338075-G-T. GRCh37 (hg19) VCF-style: chr5-171765079-G-T.
Other names: c.1188+8061C>A (NM_001308175.2).
Identifiers: ClinVar variation 352797 (VCV000352797.5), dbSNP rs76956436, ClinGen allele CA10621306.